The following is an entry in ClinVar:

NM_005560.6(LAMA5):c.7613C>T (p.Ala2538Val)

Gene: LAMA5 (laminin subunit alpha 5; minus strand). Cytogenetic location: 20q13.33.
Variant type: single nucleotide variant.
Coding change: c.7613C>T on transcript NM_005560.6 (MANE Select); coding-DNA position 7613, C replaced by T.
Protein change: p.Ala2538Val; replaces alanine 2538 with valine.
Molecular consequence: missense variant.
Genome position (GRCh38, 1-based): chr20:62,316,922, G>A on the plus strand (C>T on the coding strand, the complement: LAMA5 is on the minus strand). VCF-style: chr20-62316922-G-A. GRCh37 (hg19) VCF-style: chr20-60891978-G-A.
Other names: short protein forms A2538V.
Identifiers: ClinVar variation 3900449 (VCV003900449.1).

ClinVar aggregate classification (germline): Uncertain significance (1 of 4 stars; one submission).

gnomAD v4.1: 8 of 1,549,486 alleles (0.00052%); highest among the groups gnomAD compares: Admixed American, 0.014%; no homozygotes.

Submission:

GeneDx
Classification: Uncertain significance. Last evaluated: 2024-11-26. Review status: criteria provided, single submitter. Criteria: GeneDx Variant Classification Process June 2021. Collection method: clinical testing. Allele origin: germline. Affected: yes.
Comment: In silico analysis supports that this missense variant has a deleterious effect on protein structure/function; Has not been previously published as pathogenic or benign to our knowledge